The following is an entry in ClinVar:

NM_005592.4(MUSK):c.593C>T (p.Thr198Ile)

Gene: MUSK (muscle associated receptor tyrosine kinase; plus strand). Cytogenetic location: 9q31.3.
Variant type: single nucleotide variant.
Coding change: c.593C>T on transcript NM_005592.4 (MANE Select); coding-DNA position 593, C replaced by T.
Protein change: p.Thr198Ile; replaces threonine 198 with isoleucine.
Molecular consequence: missense variant.
Genome position (GRCh38, 1-based): chr9:110,697,431, C>T. VCF-style: chr9-110697431-C-T. GRCh37 (hg19) VCF-style: chr9-113459711-C-T.
Other names: c.593C>T, p.Thr198Ile (NM_001166280.2, NM_001166281.2); short protein forms T198I.
Identifiers: ClinVar variation 1379898 (VCV001379898.3), dbSNP rs561525761, ClinGen allele CA5184054.

ClinVar aggregate classification (germline): Uncertain significance (1 of 4 stars; one submission).

Conditions:
Congenital myasthenic syndrome 9. Also called: Myasthenic syndrome, congenital, 9, associated with acetylcholine receptor deficiency. Identifiers: Orphanet 590, MedGen C4225368, MONDO:0014587, OMIM 616325.
Fetal akinesia deformation sequence 1 (FADS1). Also called: Fetal akinesia sequence; Pena-Shokeir syndrome type I. Identifiers: Orphanet 994, MedGen C1276035, MONDO:0100101, OMIM 208150, HP:0001989.

Allele frequency attached by ClinVar (database versions not stated): gnomAD exomes below 0.00001 and 0.00001; TOPMed below 0.00001; ExAC 0.00001; gnomAD 0.00001; 1000 Genomes Project 0.00020; 1000 Genomes Project 30x 0.00031.
gnomAD v4.1: 6 of 1,609,676 alleles (0.00037%); highest among the groups gnomAD compares: Admixed American, 0.0067%; no homozygotes.

Submission:

Labcorp Genetics (formerly Invitae), Labcorp
Classification: Uncertain significance for Congenital myasthenic syndrome 9; Fetal akinesia deformation sequence 1. Last evaluated: 2022-07-11. Review status: criteria provided, single submitter. Criteria: Invitae Variant Classification Sherloc (09022015). Collection method: clinical testing. Allele origin: germline.
Comment: This sequence change replaces threonine, which is neutral and polar, with isoleucine, which is neutral and non-polar, at codon 198 of the MUSK protein (p.Thr198Ile). This variant is present in population databases (rs561525761, gnomAD 0.009%). This variant has not been reported in the literature in individuals affected with MUSK-related conditions. ClinVar contains an entry for this variant (Variation ID: 1379898). Advanced modeling of protein sequence and biophysical properties (such as structural, functional, and spatial information, amino acid conservation, physicochemical variation, residue mobility, and thermodynamic stability) performed at Invitae indicates that this missense variant is not expected to disrupt MUSK protein function. In summary, the available evidence is currently insufficient to determine the role of this variant in disease. Therefore, it has been classified as a Variant of Uncertain Significance.